The following is an entry in ClinVar:

NM_080732.4(EGLN2):c.998G>T (p.Gly333Val)

Genes: EGLN2 (egl-9 family hypoxia inducible factor 2; plus strand), RAB4B-EGLN2 (RAB4B-EGLN2 readthrough (NMD candidate); plus strand). Cytogenetic location: 19q13.2.
Variant type: single nucleotide variant.
Coding change: c.998G>T on transcript NM_080732.4 (MANE Select); coding-DNA position 998, G replaced by T.
Protein change: p.Gly333Val; replaces glycine 333 with valine.
Molecular consequence: missense variant. On other transcripts: non-coding transcript variant (1).
Genome position (GRCh38, 1-based): chr19:40,807,172, G>T. VCF-style: chr19-40807172-G-T. GRCh37 (hg19) VCF-style: chr19-41313077-G-T.
Other names: c.998G>T, p.Gly333Val (NM_053046.4); short protein forms G333V.
Identifiers: ClinVar variation 3507286 (VCV003507286.1).

ClinVar aggregate classification (germline): Uncertain significance (1 of 4 stars; one submission).

Submission:

Ambry Genetics
Classification: Uncertain significance. Last evaluated: 2024-09-21. Review status: criteria provided, single submitter. Criteria: Ambry Variant Classification Scheme 2023. Collection method: clinical testing. Allele origin: germline.
Comment: The p.G333V variant (also known as c.998G>T), located in coding exon 3 of the EGLN2 gene, results from a G to T substitution at nucleotide position 998. The glycine at codon 333 is replaced by valine, an amino acid with dissimilar properties. This amino acid position is conserved. In addition, the in silico prediction for this alteration is inconclusive. Based on the available evidence, the clinical significance of this variant remains unclear.